The following is an entry in ClinVar:

NM_001042750.2(STAG2):c.1535-3_1535-2insTA

Gene: STAG2 (STAG2 cohesin complex component; plus strand). Cytogenetic location: Xq25.
Variant type: Insertion.
Coding change: c.1535-3_1535-2insTA on transcript NM_001042750.2 (MANE Select); 3 bases into the intron before coding-DNA position 1535 through the canonical splice acceptor site of the intron before coding-DNA position 1535, TA inserted.
Molecular consequence: splice acceptor variant.
Genome position: GRCh38 VCF-style: chrX-124061768-T-TTA. GRCh37 (hg19) VCF-style: chrX-123195618-T-TTA.
Other names: c.1535-3_1535-2insTA (NM_001042749.2, NM_001375366.1, NM_001375373.1 and 13 more transcripts).
Identifiers: ClinVar variation 2150613 (VCV002150613.3), dbSNP rs1556534407, ClinGen allele CA644267400.

ClinVar aggregate classification (germline): Uncertain significance (1 of 4 stars; one submission).

Submission:

Labcorp Genetics (formerly Invitae), Labcorp
Classification: Uncertain significance. Last evaluated: 2024-05-13. Review status: criteria provided, single submitter. Criteria: Invitae Variant Classification Sherloc (09022015). Collection method: clinical testing. Allele origin: germline.
Comment: This sequence change falls in intron 16 of the STAG2 gene. It does not directly change the encoded amino acid sequence of the STAG2 protein. It affects a nucleotide within the consensus splice site. The frequency data for this variant in the population databases is considered unreliable, as metrics indicate poor data quality at this position in the gnomAD database. This variant has not been reported in the literature in individuals affected with STAG2-related conditions. ClinVar contains an entry for this variant (Variation ID: 2150613). Variants that disrupt the consensus splice site are a relatively common cause of aberrant splicing (PMID: 17576681, 9536098). Algorithms developed to predict the effect of sequence changes on RNA splicing suggest that this variant may disrupt the consensus splice site. In summary, the available evidence is currently insufficient to determine the role of this variant in disease. Therefore, it has been classified as a Variant of Uncertain Significance.

Literature cited by the submitters: PubMed 17576681; PubMed 9536098.